The following is an entry in ClinVar:

NM_007294.4(BRCA1):c.461T>C (p.Val154Ala)

Gene: BRCA1 (BRCA1 DNA repair associated; minus strand). Cytogenetic location: 17q21.31.
Variant type: single nucleotide variant.
Coding change: c.461T>C on transcript NM_007294.4 (MANE Select); coding-DNA position 461, T replaced by C.
Protein change: p.Val154Ala; replaces valine 154 with alanine.
Molecular consequence: missense variant. On other transcripts: non-coding transcript variant (1).
Genome position (GRCh38, 1-based): chr17:43,099,861, A>G on the plus strand (T>C on the coding strand, the complement: BRCA1 is on the minus strand). VCF-style: chr17-43099861-A-G. GRCh37 (hg19) VCF-style: chr17-41251878-A-G.
Other names: c.383T>C, p.Val128Ala (NM_001407657.1, NM_001407658.1, NM_001407653.1 and 12 more transcripts); c.461T>C, p.Val154Ala (NM_001407993.1, NM_007298.4, NM_007299.4 and 97 more transcripts); c.458T>C, p.Val153Ala (NM_001408396.1, NM_001408397.1, NM_001408399.1 and 65 more transcripts); c.380T>C, p.Val127Ala (NM_001407659.1, NM_001407661.1, NM_001407660.1 and 6 more transcripts); c.248T>C, p.Val83Ala (NM_001407571.1, NM_001407853.1, NM_001407894.1 and 18 more transcripts); c.452T>C, p.Val151Ala (NM_001407646.1, NM_001407647.1, NM_001408408.1); c.320T>C, p.Val107Ala (NM_001407692.1, NM_001407694.1, NM_001407695.1 and 61 more transcripts); c.317T>C, p.Val106Ala (NM_001407740.1, NM_001407741.1, NM_001407742.1 and 35 more transcripts); and 4 more; short protein forms V154A, V107A, V26A, V84A, V109A, V153A, V27A, V106A.
Identifiers: ClinVar variation 921239 (VCV000921239.4), dbSNP rs2054304701, ClinGen allele CA10601210.
Genomic context (GRCh38, chr17:43,099,861, plus strand): 5'-TGAGGTTGTATCCGCTGCTTTGTCCTCAGAGTTCTCACAGTTCCAAGGTTAGAGAGTTGG[A>G]CACTGAGACTGGTTTCCTGCTAAACAGTATGGTAAAGAACAGTCAAGCAATTGTTGGCCA-3'
Protein context (NP_009225.1, residues 144-164): NPSLQETSLS[Val154Ala]QLSNLGTVRT

ClinVar aggregate classification (germline): Uncertain significance (1 of 4 stars; one submission).

Conditions:
Hereditary cancer-predisposing syndrome. Also called: Neoplastic Syndromes, Hereditary; Tumor predisposition; Hereditary Cancer Syndrome; Hereditary neoplastic syndrome. Identifiers: Orphanet 140162, MedGen C0027672, MeSH D009386, MONDO:0015356.

Submission:

Color Diagnostics, LLC DBA Color Health
Classification: Uncertain significance for Hereditary cancer-predisposing syndrome. Last evaluated: 2019-12-16. Review status: criteria provided, single submitter. Criteria: ACMG Guidelines, 2015. Collection method: clinical testing. Allele origin: germline.
Comment: This missense variant replaces valine with alanine at codon 154 of the BRCA1 protein. Computational prediction is inconclusive regarding the impact of this variant on protein structure and function (internally defined REVEL score threshold 0.5 < inconclusive < 0.7, PMID: 27666373). Splice site prediction tools suggest that this variant may not impact RNA splicing. To our knowledge, functional studies have not been performed for this variant. This variant has not been reported in individuals affected with hereditary cancer in the literature. This variant has not been identified in the general population by the Genome Aggregation Database (gnomAD). The available evidence is insufficient to determine the role of this variant in disease conclusively. Therefore, this variant is classified as a Variant of Uncertain Significance.